The following is an entry in ClinVar:

ClinVar aggregate classification (germline): Uncertain significance (1 of 4 stars; one submission).

Conditions:
Primary ciliary dyskinesia. Also called: Ciliary dyskinesia. Identifiers: Orphanet 244, MedGen C0008780, MONDO:0016575, HP:0012265.

gnomAD v4.1: 859 of 1,613,720 alleles (0.053%); highest among the groups gnomAD compares: East Asian, 1.7%; 15 homozygotes.

Submission:

Department of Human Genetics, Hannover Medical School
Classification: Uncertain significance for Primary Ciliary Dyskinesia. Last evaluated: 2026-04-01. Review status: criteria provided, single submitter. Criteria: ACMG Guidelines, 2015. Collection method: research. Allele origin: germline. Affected: no.
Comment: Classification performed by HerediClassify using the following criteria:['PM2_supporting: Variant occures does not occur as homozygous in gnomAD.', 'PP3_protein_supporting: Variant is predicted to be pathogenic by REVEL with evidence strength supporting.', "PP4_moderate: The PICADAR socre of 8.0 exceeds threshold of 8 achieving 'strong' evidence strength."]

NM_182902.4(KIF9):c.35G>T (p.Arg12Leu)

Gene: KIF9 (kinesin family member 9; minus strand). Cytogenetic location: 3p21.31.
Variant type: single nucleotide variant.
Coding change: c.35G>T on transcript NM_182902.4 (MANE Select); coding-DNA position 35, G replaced by T.
Protein change: p.Arg12Leu; replaces arginine 12 with leucine.
Molecular consequence: missense variant.
Genome position (GRCh38, 1-based): chr3:47,277,340, C>A on the plus strand (G>T on the coding strand, the complement: KIF9 is on the minus strand). VCF-style: chr3-47277340-C-A. GRCh37 (hg19) VCF-style: chr3-47318830-C-A.
Other names: c.35G>T, p.Arg12Leu (NM_001134878.3, NM_001377474.1, NM_001377475.1 and 3 more transcripts); c.77G>T, p.Arg26Leu (NM_001413975.1); c.134G>T, p.Arg45Leu (NM_001413976.1); short protein forms R12L, R26L, R45L.
Identifiers: ClinVar variation 4880068 (VCV004880068.1).